The following is an entry in ClinVar:

ClinVar aggregate classification (germline): Likely benign. Review status: criteria provided, multiple submitters, no conflicts (2 of 4 stars). 2 submissions from 2 submitters: Likely benign (2). Last evaluated 2026-08-01.

Allele frequency attached by ClinVar (database versions not stated): gnomAD 0.00001; gnomAD exomes 0.00001 and 0.00002; TOPMed 0.00002.
gnomAD v4.1: 26 of 1,609,182 alleles (0.0016%); highest among the groups gnomAD compares: East Asian, 0.0022%; no homozygotes.

Submissions (2):

CeGaT Center for Human Genetics Tuebingen
Classification: Likely benign. Last evaluated: 2026-08-01. Review status: criteria provided, single submitter. Criteria: CeGaT Center For Human Genetics Tuebingen Variant Classification Criteria Version 2. Collection method: clinical testing. Allele origin: germline. Affected: yes. Observed: 3 variant alleles.
Comment: BRPF1: BP4, BP7

Labcorp Genetics (formerly Invitae), Labcorp
Classification: Likely benign. Last evaluated: 2018-12-13. Review status: criteria provided, single submitter. Criteria: Invitae Variant Classification Sherloc (09022015). Collection method: clinical testing. Allele origin: germline.

NM_001003694.2(BRPF1):c.18T>C (p.Asp6=)

Gene: BRPF1 (bromodomain and PHD finger containing 1; plus strand). Cytogenetic location: 3p25.3.
Variant type: single nucleotide variant.
Coding change: c.18T>C on transcript NM_001003694.2 (MANE Select); coding-DNA position 18, T replaced by C.
Protein change: p.Asp6=; no amino-acid change (aspartic acid 6 retained).
Molecular consequence: synonymous variant. On other transcripts: non-coding transcript variant (1).
Genome position (GRCh38, 1-based): chr3:9,734,158, T>C. VCF-style: chr3-9734158-T-C. GRCh37 (hg19) VCF-style: chr3-9775842-T-C.
Other names: c.18T>C, p.Asp6= (NM_001319049.2, NM_001319050.2, NM_004634.3).
Identifiers: ClinVar variation 757830 (VCV000757830.27), dbSNP rs887553174, ClinGen allele CA69954231.